The following is an entry in ClinVar:

NM_000439.5(PCSK1):c.1691T>C (p.Ile564Thr)

Genes: CAST (calpastatin; plus strand), PCSK1 (proprotein convertase subtilisin/kexin type 1; minus strand), LOC101929710 (uncharacterized LOC101929710; plus strand). Cytogenetic location: 5q15.
Variant type: single nucleotide variant.
Coding change: c.1691T>C on transcript NM_000439.5 (MANE Select); coding-DNA position 1691, T replaced by C.
Protein change: p.Ile564Thr; replaces isoleucine 564 with threonine.
Molecular consequence: missense variant. On other transcripts: intron variant (11).
Genome position (GRCh38, 1-based): chr5:96,397,367, A>G on the plus strand (T>C on the coding strand, the complement: PCSK1 is on the minus strand). VCF-style: chr5-96397367-A-G. GRCh37 (hg19) VCF-style: chr5-95733071-A-G.
Other names: c.1550T>C, p.Ile517Thr (NM_001177875.2); c.-175+17715A>G (NM_001423254.1, NM_001423259.1, NM_001423255.1 and 6 more transcripts); c.-103+17715A>G (NM_001423253.1); c.-40+17715A>G (NM_001423258.1); short protein forms I517T, I564T.
Identifiers: ClinVar variation 2635018 (VCV002635018.2), dbSNP rs746859308, ClinGen allele CA122903018.

ClinVar aggregate classification (germline): Uncertain significance (1 of 4 stars; one submission).

Conditions:
PCSK1-related disorder. Also called: PCSK1-related condition.

Allele frequency attached by ClinVar (database versions not stated): gnomAD exomes 0.00001; TOPMed 0.00001.
gnomAD v4.1: 20 of 1,612,770 alleles (0.0012%); highest among the groups gnomAD compares: Non-Finnish European, 0.0014%; no homozygotes.

Submission:

PreventionGenetics, part of Exact Sciences
Classification: Uncertain significance for PCSK1-related condition. Last evaluated: 2026-02-03. Review status: criteria provided, single submitter. Criteria: ACMG Guidelines, 2015. Collection method: clinical testing. Allele origin: germline.
Comment: The PCSK1 c.1691T>C variant is predicted to result in the amino acid substitution p.Ile564Thr. This variant was observed in a cohort of individuals with obesity, and in vitro functional studies showed function similar to wild-type levels (Supplemental Data Set, Shah et al. 2023. PubMed ID: 36864747). This variant is reported in 0.0018% of alleles in individuals of European (Non-Finnish) descent in gnomAD. At this time, the clinical significance of this variant is uncertain due to the absence of conclusive functional and genetic evidence.